The following is an entry in ClinVar:

ClinVar aggregate classification (germline): Uncertain significance (1 of 4 stars; one submission).

Conditions:
MLH3-related disorder. Also called: MLH3-related condition.

Submission:

PreventionGenetics, part of Exact Sciences
Classification: Uncertain significance for MLH3-related condition. Last evaluated: 2023-06-12. Review status: criteria provided, single submitter. Criteria: ACMG Guidelines, 2015. Collection method: clinical testing. Allele origin: germline.
Comment: The MLH3 c.565T>G variant is predicted to result in the amino acid substitution p.Leu189Val. To our knowledge, this variant has not been reported in the literature or in a large population database, indicating this variant is rare. At this time, the clinical significance of this variant is uncertain due to the absence of conclusive functional and genetic evidence.

NM_001040108.2(MLH3):c.565T>G (p.Leu189Val)

Gene: MLH3 (mutL homolog 3; minus strand). Cytogenetic location: 14q24.3.
Variant type: single nucleotide variant.
Coding change: c.565T>G on transcript NM_001040108.2 (MANE Select); coding-DNA position 565, T replaced by G.
Protein change: p.Leu189Val; replaces leucine 189 with valine.
Molecular consequence: missense variant.
Genome position (GRCh38, 1-based): chr14:75,049,091, A>C on the plus strand (T>G on the coding strand, the complement: MLH3 is on the minus strand). VCF-style: chr14-75049091-A-C. GRCh37 (hg19) VCF-style: chr14-75515794-A-C.
Other names: c.565T>G, p.Leu189Val (NM_014381.3); short protein forms L189V.
Identifiers: ClinVar variation 2632259 (VCV002632259.1), dbSNP rs757893863, ClinGen allele CA390449881.